The following is an entry in ClinVar:

NM_001114938.3(CCDC17):c.184C>T (p.Gln62Ter)

Gene: CCDC17 (coiled-coil domain containing 17; minus strand). Cytogenetic location: 1p34.1.
Variant type: single nucleotide variant.
Coding change: c.184C>T on transcript NM_001114938.3 (MANE Select); coding-DNA position 184, C replaced by T.
Protein change: p.Gln62Ter; replaces glutamine 62 with a stop codon.
Molecular consequence: nonsense.
Genome position (GRCh38, 1-based): chr1:45,623,643, G>A on the plus strand (C>T on the coding strand, the complement: CCDC17 is on the minus strand). VCF-style: chr1-45623643-G-A. GRCh37 (hg19) VCF-style: chr1-46089315-G-A.
Other names: c.184C>T, p.Gln62Ter (NM_001190182.2); short protein forms Q62*.
Identifiers: ClinVar variation 4880098 (VCV004880098.1).

ClinVar aggregate classification (germline): Uncertain significance (1 of 4 stars; one submission).

Conditions:
Primary ciliary dyskinesia. Also called: Ciliary dyskinesia. Identifiers: Orphanet 244, MedGen C0008780, MONDO:0016575, HP:0012265.

Submission:

Department of Human Genetics, Hannover Medical School
Classification: Uncertain significance for Primary Ciliary Dyskinesia. Last evaluated: 2026-04-01. Review status: criteria provided, single submitter. Criteria: ACMG Guidelines, 2015. Collection method: research. Allele origin: germline. Affected: no.
Comment: Classification performed by HerediClassify using the following criteria:['PVS1_protein_strong: Transcript ENST00000528266 is not predicted to undergo NMD. Protein length change of 0.9019292604501608 observed.']